The following is an entry in ClinVar:

NM_001370595.2(COA8):c.102_121dup (p.Gly41fs)

Gene: COA8 (cytochrome c oxidase assembly factor 8; plus strand). Cytogenetic location: 14q32.33.
Variant type: Duplication.
Coding change: c.102_121dup on transcript NM_001370595.2 (MANE Select); coding-DNA positions 102 to 121, 20 bases duplicated (CAGGGATACGGCGCCCAGCG).
Protein change: p.Gly41fs; shifts the reading frame from glycine 41.
Molecular consequence: frameshift variant. On other transcripts: non-coding transcript variant (2).
Genome position (GRCh38, 1-based): chr14:103,563,103-103,563,122, CAGGGATACGGCGCCCAGCG duplicated; duplicating any 20 consecutive bases within chr14:103,563,099-103,563,122 gives the same sequence; the c. name uses the placement nearest the transcript's 3' end. VCF-style (leftmost placement, unchanged base first): chr14-103563098-G-GAGCGCAGGGATACGGCGCCC. GRCh37 (hg19) VCF-style: chr14-104029435-G-GAGCGCAGGGATACGGCGCCC.
Other names: p.Gly54AlafsTer23; c.141_160dup (NM_032374.4); c.102_121dup, p.Gly41fs (NM_001302653.2, NM_001302654.2); short protein forms G41fs.
Identifiers: ClinVar variation 3255585 (VCV003255585.2).
Genomic context (GRCh38, chr14:103,563,098, plus strand): 5'-CCCCCTCTCTGCCGCGCCTTCGCCTGCCGCGGCTGTCAACTCGCTCCGGAGCGCGGCGCC[G>GAGCGCAGGGATACGGCGCCC]AGCGCAGGGATACGGCGCCCAGCGGGGTAAGCAGGGGCCTGGGGACATTGGGCCGGGAGG-3'

ClinVar aggregate classification (germline): Likely pathogenic (1 of 4 stars; one submission).

Conditions:
Mitochondrial complex IV deficiency, nuclear type 17. Also called: Mitochondrial complex 4 deficiency, nuclear type 17. Identifiers: MedGen C5436718, MONDO:0033652, OMIM 619061.

Submission:

Breakthrough Genomics
Classification: Likely pathogenic for Mitochondrial complex IV deficiency, nuclear type 17. Last evaluated: 2019-12-19. Review status: criteria provided, single submitter. Criteria: ACMG Guidelines, 2015. Collection method: clinical testing. Allele origin: germline. Affected: yes.
Comment: This variant predicted to cause a frameshift and consequent premature termination of the protein (p.Gly54AlafsTer23) and this will likely result in loss-of-function. The variant seems to be a novel variant, as it has not been previously reported in population databases or in the literature. However, a homozygous truncating variant, p.Glu121Valfs (represented as p.Glu121Valfs*6 and p.Glu121Valfs*4) lying downstream of this variant, have been previously reported as deleterious in the context of cavitating leukoencephalopathy with cytochrome c oxidase deficiency [PMID: 25175347, 29577824].